The following is an entry in ClinVar:

ClinVar aggregate classification (germline): Uncertain significance (1 of 4 stars; one submission).

Conditions:
Hereditary cancer-predisposing syndrome. Also called: Neoplastic Syndromes, Hereditary; Tumor predisposition; Hereditary Cancer Syndrome; Hereditary neoplastic syndrome. Identifiers: Orphanet 140162, MedGen C0027672, MeSH D009386, MONDO:0015356.

gnomAD v4.1: 3 of 1,613,184 alleles (0.00019%); highest among the groups gnomAD compares: Non-Finnish European, 0.00025%; no homozygotes.

Submission:

Ambry Genetics
Classification: Uncertain significance for Hereditary cancer-predisposing syndrome. Last evaluated: 2022-01-18. Review status: criteria provided, single submitter. Criteria: Ambry Variant Classification Scheme 2023. Collection method: clinical testing. Allele origin: germline.
Comment: The p.K3T variant (also known as c.8A>C), located in coding exon 1 of the NBN gene, results from an A to C substitution at nucleotide position 8. The lysine at codon 3 is replaced by threonine, an amino acid with similar properties. This amino acid position is conserved. In addition, this alteration is predicted to be tolerated by in silico analysis. Since supporting evidence is limited at this time, the clinical significance of this alteration remains unclear.

NM_002485.5(NBN):c.8A>C (p.Lys3Thr)

Gene: NBN (nibrin; minus strand). Cytogenetic location: 8q21.3.
Variant type: single nucleotide variant.
Coding change: c.8A>C on transcript NM_002485.5 (MANE Select); coding-DNA position 8, A replaced by C.
Protein change: p.Lys3Thr; replaces lysine 3 with threonine.
Molecular consequence: missense variant. On other transcripts: 5 prime UTR variant (1).
Genome position (GRCh38, 1-based): chr8:89,984,554, T>G on the plus strand (A>C on the coding strand, the complement: NBN is on the minus strand). VCF-style: chr8-89984554-T-G. GRCh37 (hg19) VCF-style: chr8-90996782-T-G.
Other names: c.-289A>C (NM_001024688.3); short protein forms K3T.
Identifiers: ClinVar variation 1765414 (VCV001765414.2), dbSNP rs771376603, ClinGen allele CA371664207.